The following is an entry in ClinVar:

NM_170784.3(MKKS):c.1470G>T (p.Trp490Cys)

Gene: MKKS (MKKS centrosomal shuttling protein; minus strand). Cytogenetic location: 20p12.2.
Variant type: single nucleotide variant.
Coding change: c.1470G>T on transcript NM_170784.3 (MANE Select); coding-DNA position 1470, G replaced by T.
Protein change: p.Trp490Cys; replaces tryptophan 490 with cysteine.
Molecular consequence: missense variant. On other transcripts: non-coding transcript variant (1).
Genome position (GRCh38, 1-based): chr20:10,405,490, C>A on the plus strand (G>T on the coding strand, the complement: MKKS is on the minus strand). VCF-style: chr20-10405490-C-A. GRCh37 (hg19) VCF-style: chr20-10386138-C-A.
Other names: c.1470G>T, p.Trp490Cys (NM_018848.3); short protein forms W490C.
Identifiers: ClinVar variation 1515123 (VCV001515123.3), dbSNP rs2122219766, ClinGen allele CA408230828.
Genomic context (GRCh38, chr20:10,405,490, plus strand): 5'-CCAGTTGAGTTCTTCCTGGCTATTGTATAATCCACAGCCACACTGTGAAAGCAAATCTGG[C>A]CAGTTAGCAACACAGGGAGAATCTGCCTGAACTGACCAAAGGTGTCCATACTTCATGTCA-3'
Protein context (NP_740754.1, residues 480-500): VQADSPCVAN[Trp490Cys]PDLLSQCGCG

ClinVar aggregate classification (germline): Uncertain significance (1 of 4 stars; one submission).

Conditions:
Bardet-Biedl syndrome (BBS). Identifiers: Orphanet 110, MedGen C0752166, MONDO:0015229.
McKusick-Kaufman syndrome (MKKS). Also called: HYDROMETROCOLPOS SYNDROME; HYDROMETROCOLPOS, POSTAXIAL POLYDACTYLY, AND CONGENITAL HEART MALFORMATION. Identifiers: Orphanet 2473, MedGen C0948368, MONDO:0009367, OMIM 236700.

Submission:

Labcorp Genetics (formerly Invitae), Labcorp
Classification: Uncertain significance for McKusick-Kaufman syndrome; Bardet-Biedl syndrome. Last evaluated: 2021-08-05. Review status: criteria provided, single submitter. Criteria: Invitae Variant Classification Sherloc (09022015). Collection method: clinical testing. Allele origin: germline.
Comment: This sequence change replaces tryptophan with cysteine at codon 490 of the MKKS protein (p.Trp490Cys). The tryptophan residue is highly conserved and there is a large physicochemical difference between tryptophan and cysteine. This variant is not present in population databases (ExAC no frequency). This variant has not been reported in the literature in individuals affected with MKKS-related conditions. Algorithms developed to predict the effect of missense changes on protein structure and function are either unavailable or do not agree on the potential impact of this missense change (SIFT: "Deleterious"; PolyPhen-2: "Possibly Damaging"; Align-GVGD: "Class C0"). In summary, the available evidence is currently insufficient to determine the role of this variant in disease. Therefore, it has been classified as a Variant of Uncertain Significance.